The following is an entry in ClinVar:

NM_002184.4(IL6ST):c.1104G>T (p.Val368=)

Gene: IL6ST (interleukin 6 cytokine family signal transducer; minus strand). Cytogenetic location: 5q11.2.
Variant type: single nucleotide variant.
Coding change: c.1104G>T on transcript NM_002184.4 (MANE Select); coding-DNA position 1104, G replaced by T.
Protein change: p.Val368=; no amino-acid change (valine 368 retained).
Molecular consequence: synonymous variant. On other transcripts: 3 prime UTR variant (1), non-coding transcript variant (2).
Genome position (GRCh38, 1-based): chr5:55,956,188, C>A on the plus strand (G>T on the coding strand, the complement: IL6ST is on the minus strand). VCF-style: chr5-55956188-C-A. GRCh37 (hg19) VCF-style: chr5-55252016-C-A.
Other names: c.*31G>T (NM_175767.3); c.1104G>T, p.Val368= (NM_001190981.2, NM_001364275.2); c.894G>T, p.Val298= (NM_001364276.2); c.237G>T, p.Val79= (NM_001364277.2); c.201G>T, p.Val67= (NM_001364278.2); c.108G>T, p.Val36= (NM_001364279.2).
Identifiers: ClinVar variation 2655467 (VCV002655467.24), dbSNP rs2533504995, ClinGen allele CA444208602.

ClinVar aggregate classification (germline): Likely benign (1 of 4 stars; one submission).

Submission:

CeGaT Center for Human Genetics Tuebingen
Classification: Likely benign. Last evaluated: 2022-10-01. Review status: criteria provided, single submitter. Criteria: CeGaT Center For Human Genetics Tuebingen Variant Classification Criteria Version 2. Collection method: clinical testing. Allele origin: germline. Affected: yes. Observed: 1 variant allele.
Comment: IL6ST: PM2:Supporting, BP4, BP7